The following is an entry in ClinVar:

NM_004656.4(BAP1):c.743T>G (p.Leu248Arg)

Gene: BAP1 (BRCA1 associated deubiquitinase 1; minus strand). Cytogenetic location: 3p21.1.
Variant type: single nucleotide variant.
Coding change: c.743T>G on transcript NM_004656.4 (MANE Select); coding-DNA position 743, T replaced by G.
Protein change: p.Leu248Arg; replaces leucine 248 with arginine.
Molecular consequence: missense variant.
Genome position (GRCh38, 1-based): chr3:52,406,293, A>C on the plus strand (T>G on the coding strand, the complement: BAP1 is on the minus strand). VCF-style: chr3-52406293-A-C. GRCh37 (hg19) VCF-style: chr3-52440309-A-C.
Other names: c.689T>G, p.Leu230Arg (NM_001410772.1); short protein forms L230R, L248R.
Identifiers: ClinVar variation 1758933 (VCV001758933.3), dbSNP rs2153227446, ClinGen allele CA353107174.
Genomic context (GRCh38, chr3:52,406,293, plus strand): 5'-CAGGAAGAAAGGGCACCTACCTGCTGCAGAGCCTCTAGTACTGTCTGACGGTTCACCTTC[A>C]GCACATGCAGCCTGGCCTCATACTTGATCCTGCGGTCGGGCACCACTGCCATCAGGTTGA-3'
Protein context (NP_004647.1, residues 238-258): RIKYEARLHV[Leu248Arg]KVNRQTVLEA

ClinVar aggregate classification (germline): Uncertain significance. Review status: criteria provided, multiple submitters, no conflicts (2 of 4 stars). 2 submissions from 2 submitters: Uncertain significance (2). Last evaluated 2025-02-26.

Conditions:
Hereditary cancer-predisposing syndrome. Also called: Neoplastic Syndromes, Hereditary; Tumor predisposition; Hereditary Cancer Syndrome; Hereditary neoplastic syndrome. Identifiers: Orphanet 140162, MedGen C0027672, MeSH D009386, MONDO:0015356.
BAP1-related tumor predisposition syndrome (TPDS1). Also called: BAP1 tumor predisposition syndrome; Tumor susceptibility linked to germline BAP1 mutations; COMMON Syndrome; TUMOR PREDISPOSITION SYNDROME 1. Identifiers: Orphanet 289539, MedGen C3280492, MONDO:0013692, OMIM 614327.

Submissions (2):

Labcorp Genetics (formerly Invitae), Labcorp
Classification: Uncertain significance for BAP1-related tumor predisposition syndrome. Last evaluated: 2025-02-26. Review status: criteria provided, single submitter. Criteria: Invitae Variant Classification Sherloc (09022015). Collection method: clinical testing. Allele origin: germline.
Comment: This sequence change replaces leucine, which is neutral and non-polar, with arginine, which is basic and polar, at codon 248 of the BAP1 protein (p.Leu248Arg). This variant is not present in population databases (gnomAD no frequency). This variant has not been reported in the literature in individuals affected with BAP1-related conditions. ClinVar contains an entry for this variant (Variation ID: 1758933). Invitae Evidence Modeling of protein sequence and biophysical properties (such as structural, functional, and spatial information, amino acid conservation, physicochemical variation, residue mobility, and thermodynamic stability) indicates that this missense variant is expected to disrupt BAP1 protein function with a positive predictive value of 80%. In summary, the available evidence is currently insufficient to determine the role of this variant in disease. Therefore, it has been classified as a Variant of Uncertain Significance.

Ambry Genetics
Classification: Uncertain significance for Hereditary cancer-predisposing syndrome. Last evaluated: 2022-03-16. Review status: criteria provided, single submitter. Criteria: Ambry Variant Classification Scheme 2023. Collection method: clinical testing. Allele origin: germline.
Comment: The p.L248R variant (also known as c.743T>G), located in coding exon 9 of the BAP1 gene, results from a T to G substitution at nucleotide position 743. The leucine at codon 248 is replaced by arginine, an amino acid with dissimilar properties. This amino acid position is conserved. In addition, this alteration is predicted to be deleterious by in silico analysis. Since supporting evidence is limited at this time, the clinical significance of this alteration remains unclear.